The following is an entry in ClinVar:

ClinVar aggregate classification (germline): Pathogenic (1 of 4 stars; one submission).

Conditions:
Intellectual developmental disorder, autosomal dominant 39. Also called: Mental retardation, autosomal dominant 39; Intellectual disability, autosomal dominant 39. Identifiers: MedGen C4225296, MONDO:0014678, OMIM 616521.

Submission:

Juno Genomics, Hangzhou Juno Genomics, Inc
Classification: Pathogenic for Intellectual developmental disorder, autosomal dominant 39. Review status: criteria provided, single submitter. Criteria: ACMG Guidelines, 2015. Collection method: clinical testing. Allele origin: germline. Affected: yes.
Comment: Null variant in a gene where loss of function (LOF) is a known mechanism of disease.;Absent from controls (or at extremely low frequency if recessive) in Genome Aggregation Database, Exome Sequencing Project, 1000 Genomes Project, or Exome Aggregation Consortium.;De novo (both maternity and paternity confirmed) in a patient with the disease and no family history.

NM_001303052.2(MYT1L):c.4G>T (p.Glu2Ter)

Gene: MYT1L (myelin transcription factor 1 like; minus strand). Cytogenetic location: 2p25.3.
Variant type: single nucleotide variant.
Coding change: c.4G>T on transcript NM_001303052.2 (MANE Select); coding-DNA position 4, G replaced by T.
Protein change: p.Glu2Ter; replaces glutamic acid 2 with a stop codon.
Molecular consequence: nonsense.
Genome position (GRCh38, 1-based): chr2:1,979,774, C>A on the plus strand (G>T on the coding strand, the complement: MYT1L is on the minus strand). VCF-style: chr2-1979774-C-A. GRCh37 (hg19) VCF-style: chr2-1983546-C-A.
Other names: c.4G>T, p.Glu2Ter (NM_001329844.2, NM_001329845.1, NM_001329846.3 and 6 more transcripts); short protein forms E2*.
Identifiers: ClinVar variation 3382527 (VCV003382527.2).
Genomic context (GRCh38, chr2:1,979,774, plus strand): 5'-CGGACATACCTCGAACCCCTTTGGACCGCGTGCGATGCCGCTTCTCCTCGGTGTCCACCT[C>A]CATCTGGGGATAGATTAGCAGCCATCAATGTGCTTATCCTGCCTGTGCAGGCCAGCCCTG-3'